The following is an entry in ClinVar:

NM_052872.4(IL17F):c.308G>A (p.Arg103Lys)

Gene: IL17F (interleukin 17F; minus strand). Cytogenetic location: 6p12.2.
Variant type: single nucleotide variant.
Coding change: c.308G>A on transcript NM_052872.4 (MANE Select); coding-DNA position 308, G replaced by A.
Protein change: p.Arg103Lys; replaces arginine 103 with lysine.
Molecular consequence: missense variant.
Genome position (GRCh38, 1-based): chr6:52,237,115, C>T on the plus strand (G>A on the coding strand, the complement: IL17F is on the minus strand). VCF-style: chr6-52237115-C-T. GRCh37 (hg19) VCF-style: chr6-52101913-C-T.
Other names: short protein forms R103K.
Identifiers: ClinVar variation 1054848 (VCV001054848.7), dbSNP rs766577007, ClinGen allele CA3854383.
Genomic context (GRCh38, chr6:52,237,115, plus strand): 5'-ATGGGAACGGAATTCATGGAGATGTCTTCCTTTCCTTGAGCATTGATGCAGCCCAAGTTC[C>T]TACACTGGGCCTGTACAACTTCCGAGGGGTACCGGTTGGGGTCCCAAGTGACACTGCAGG-3'
Protein context (NP_443104.1, residues 93-113): YPSEVVQAQC[Arg103Lys]NLGCINAQGK

ClinVar aggregate classification (germline): Uncertain significance (1 of 4 stars; one submission).

Conditions:
Candidiasis, familial, 6 (CANDF6). Also called: Candidiasis, familial, 6, autosomal dominant. Identifiers: Orphanet 1334, MedGen C3151405, MONDO:0013503, OMIM 613956.

Allele frequency attached by ClinVar (database versions not stated): TOPMed below 0.00001; gnomAD 0.00001 and 0.00002; gnomAD exomes 0.00002 and 0.00005; ExAC 0.00004.

Submission:

Labcorp Genetics (formerly Invitae), Labcorp
Classification: Uncertain significance for Candidiasis, familial, 6. Last evaluated: 2022-12-06. Review status: criteria provided, single submitter. Criteria: Invitae Variant Classification Sherloc (09022015). Collection method: clinical testing. Allele origin: germline.
Comment: In summary, the available evidence is currently insufficient to determine the role of this variant in disease. Therefore, it has been classified as a Variant of Uncertain Significance. Algorithms developed to predict the effect of missense changes on protein structure and function output the following: SIFT: "Tolerated"; PolyPhen-2: "Benign"; Align-GVGD: "Class C0". The lysine amino acid residue is found in multiple mammalian species, which suggests that this missense change does not adversely affect protein function. ClinVar contains an entry for this variant (Variation ID: 1054848). This variant has not been reported in the literature in individuals affected with IL17F-related conditions. This variant is present in population databases (rs766577007, gnomAD 0.04%). This sequence change replaces arginine, which is basic and polar, with lysine, which is basic and polar, at codon 103 of the IL17F protein (p.Arg103Lys).